The following is an entry in ClinVar:

ClinVar aggregate classification (germline): Pathogenic (1 of 4 stars; one submission).

Conditions:
Cardiovascular phenotype. Identifiers: MedGen CN230736.
Hereditary cancer-predisposing syndrome. Also called: Neoplastic Syndromes, Hereditary; Tumor predisposition; Hereditary Cancer Syndrome; Hereditary neoplastic syndrome. Identifiers: Orphanet 140162, MedGen C0027672, MeSH D009386, MONDO:0015356.

Submission:

Ambry Genetics
Classification: Pathogenic for Cardiovascular phenotype; Hereditary cancer-predisposing syndrome. Last evaluated: 2025-09-23. Review status: criteria provided, single submitter. Criteria: Ambry Variant Classification Scheme 2023. Collection method: clinical testing. Allele origin: germline.
Comment: The c.506dupG pathogenic mutation, located in coding exon 5 of the LZTR1 gene, results from a duplication of G at nucleotide position 506, causing a translational frameshift with a predicted alternate stop codon (p.R170Tfs*6). This variant is considered to be rare based on population cohorts in the Genome Aggregation Database (gnomAD). This alteration is expected to result in loss of function by premature protein truncation or nonsense-mediated mRNA decay. Loss-of-function variants in LZTR1 are related to an increased risk for schwannomas and autosomal recessive Noonan syndrome; however, such associations with autosomal dominant Noonan syndrome have not been observed (Piotrowski A et al. Nat Genet. 2014 Feb;46:182-7; Yamamoto GL et al. J Med Genet. 2015 Jun;52:413-21; Johnston JJ et al. Genet Med. 2018 10;20:1175-1185). Based on the supporting evidence, this variant is pathogenic for an increased risk of LZTR1-related schwannomatosis (SWN) and would be expected to cause autosomal recessive Noonan syndrome when present along with a second pathogenic or likely pathogenic variant on the other allele; however, the association of this alteration with autosomal dominant Noonan syndrome is unlikely.

NM_006767.4(LZTR1):c.506dup (p.Arg170fs)

Gene: LZTR1 (leucine zipper like post translational regulator 1; plus strand). Cytogenetic location: 22q11.21.
Variant type: Duplication.
Coding change: c.506dup on transcript NM_006767.4 (MANE Select); coding-DNA position 506, one base duplicated (G; older notation c.506dupG).
Protein change: p.Arg170fs; shifts the reading frame from arginine 170.
Molecular consequence: frameshift variant.
Genome position (GRCh38, 1-based): chr22:20,988,115, G duplicated; the last of 2 consecutive G bases (chr22:20,988,114-20,988,115); duplicating either gives the same sequence. VCF-style (leftmost placement, unchanged base first): chr22-20988113-A-AG. GRCh37 (hg19) VCF-style: chr22-21342402-A-AG.
Other names: short protein forms R170fs.
Identifiers: ClinVar variation 4615604 (VCV004615604.1).